The following is an entry in ClinVar:

NM_000368.5(TSC1):c.1685C>G (p.Ala562Gly)

Gene: TSC1 (TSC complex subunit 1; minus strand). Cytogenetic location: 9q34.13.
Variant type: single nucleotide variant.
Coding change: c.1685C>G on transcript NM_000368.5 (MANE Select); coding-DNA position 1685, C replaced by G.
Protein change: p.Ala562Gly; replaces alanine 562 with glycine.
Molecular consequence: missense variant.
Genome position (GRCh38, 1-based): chr9:132,905,893, G>C on the plus strand (C>G on the coding strand, the complement: TSC1 is on the minus strand). VCF-style: chr9-132905893-G-C. GRCh37 (hg19) VCF-style: chr9-135781280-G-C.
Other names: c.1682C>G, p.Ala561Gly (NM_001162426.2); c.1532C>G, p.Ala511Gly (NM_001162427.2); c.1322C>G, p.Ala441Gly (NM_001362177.2); short protein forms A562G, A561G, A511G, A441G.
Identifiers: ClinVar variation 186320 (VCV000186320.25), dbSNP rs377185303, ClinGen allele CA005191.
Genomic context (GRCh38, chr9:132,905,893, plus strand): 5'-GTGAAGATACTGGTCTCCAAAGAAGTCTGGCATTCCCTGTCTCCCGCAGGGCTTTCATCA[G>C]CACTGCCGCAGGGCAGGTCTATGGGAGTAAAGGCTTGCTTTGGTGTGTCAGGCCCAAGCT-3'
Protein context (NP_000359.1, residues 552-572): FTPIDLPCGS[Ala562Gly]DESPAGDREC

ClinVar aggregate classification (germline): Conflicting classifications of pathogenicity. Review status: criteria provided, conflicting classifications (1 of 4 stars). 9 submissions from 9 submitters: Uncertain significance (1); Benign (1); Likely benign (7). Last evaluated 2026-01-31.

Conditions:
Hereditary cancer-predisposing syndrome. Also called: Tumor predisposition; Neoplastic Syndromes, Hereditary; Hereditary neoplastic syndrome; Hereditary Cancer Syndrome. Identifiers: Orphanet 140162, MedGen C0027672, MeSH D009386, MONDO:0015356.
Tuberous sclerosis syndrome (TSC). Also called: Tuberous Sclerosis Complex; Tuberous sclerosis. Identifiers: Orphanet 805, MedGen C0041341, MONDO:0001734.
Tuberous sclerosis 1 (TSC1). Identifiers: Orphanet 805, MedGen C1854465, MONDO:0008612, OMIM 191100.

Allele frequency attached by ClinVar (database versions not stated): gnomAD 0.00002 and 0.00003; TOPMed 0.00002; ExAC 0.00004; gnomAD exomes 0.00004; ESP Exome Variant Server 0.00008.
gnomAD v4.1: 63 of 1,612,018 alleles (0.0039%); highest among the groups gnomAD compares: Non-Finnish European, 0.0052%; no homozygotes.

Submissions (9):

Labcorp Genetics (formerly Invitae), Labcorp
Classification: Benign for Tuberous sclerosis 1. Last evaluated: 2026-01-31. Review status: criteria provided, single submitter. Criteria: Invitae Variant Classification Sherloc (09022015). Collection method: clinical testing. Allele origin: germline.

Myriad Genetics, Inc.
Classification: Likely benign for Tuberous sclerosis 1. Last evaluated: 2025-04-10. Review status: criteria provided, single submitter. Criteria: Myriad Autosomal Dominant, Autosomal Recessive and X-Linked Classification Criteria (2023). Collection method: clinical testing. Allele origin: unknown.
Comment: This variant is considered likely benign. This variant has been observed at a population frequency that is significantly greater than expected given the associated disease prevalence and penetrance.

Blueprint Genetics
Classification: Likely benign. Last evaluated: 2024-09-12. Review status: criteria provided, single submitter. Criteria: ACMG Guidelines, 2015. Collection method: clinical testing. Allele origin: germline.

Color Diagnostics, LLC DBA Color Health
Classification: Likely benign for Tuberous sclerosis syndrome. Last evaluated: 2023-05-11. Review status: criteria provided, single submitter. Criteria: ACMG Guidelines, 2015. Collection method: clinical testing. Allele origin: germline.

Genome-Nilou Lab
Classification: Likely benign for Tuberous sclerosis 1. Last evaluated: 2021-11-07. Review status: criteria provided, single submitter. Criteria: ACMG Guidelines, 2015. Collection method: clinical testing. Allele origin: germline. Affected: no.

Genetic Services Laboratory, University of Chicago
Classification: Uncertain significance. Last evaluated: 2021-06-22. Review status: criteria provided, single submitter. Criteria: ACMG Guidelines, 2015. Collection method: clinical testing. Allele origin: germline. Affected: no.
Comment: DNA sequence analysis of the TSC1 gene demonstrated a sequence change, c.1685C>G, in exon 15 that results in an amino acid change, p.Ala562Gly. This sequence change has been described in the gnomAD database with a frequency of 0.0088% in the non-Finnish European subpopulation (dbSNP rs377185303). The p.Ala562Gly change affects a poorly conserved amino acid residue located in a domain of the TSC1 protein that is known to be functional. The p.Ala562Gly substitution appears to be benign using several in-silico pathogenicity prediction tools (SIFT, PolyPhen2, Align GVGD, REVEL). This sequence change does not appear to have been previously described in patients with TSC1-related disorders. Due to insufficient evidences and the lack of functional studies, the clinical significance of the p.Ala562Gly change remains unknown at this time.

Ambry Genetics
Classification: Likely benign for Hereditary cancer-predisposing syndrome. Last evaluated: 2021-06-02. Review status: criteria provided, single submitter. Criteria: Ambry Variant Classification Scheme 2023. Collection method: clinical testing. Allele origin: germline.

Sema4
Classification: Likely benign for Hereditary cancer-predisposing syndrome. Last evaluated: 2021-05-07. Review status: criteria provided, single submitter. Criteria: Sema4 Curation Guidelines. Collection method: curation. Allele origin: germline.

GeneDx
Classification: Likely benign. Last evaluated: 2021-01-25. Review status: criteria provided, single submitter. Criteria: GeneDx Variant Classification Process June 2021. Collection method: clinical testing. Allele origin: germline. Affected: yes.